The following is an entry in ClinVar:

ClinVar aggregate classification (germline): Likely benign. Review status: criteria provided, single submitter (1 of 4 stars). 2 submissions from 2 submitters: Likely benign (1). 1 of the submissions does not count toward it. Last evaluated 2024-10-30.

Conditions:
XPO5-related disorder. Also called: XPO5-related condition.

Allele frequency attached by ClinVar (database versions not stated): gnomAD 0.00005; ESP Exome Variant Server 0.00017; TOPMed 0.00005; ExAC 0.00004.
gnomAD v4.1: 85 of 1,605,528 alleles (0.0053%); highest among the groups gnomAD compares: Non-Finnish European, 0.007%; no homozygotes.

Submissions (2):

Labcorp Genetics (formerly Invitae), Labcorp
Classification: Likely benign. Last evaluated: 2024-10-30. Review status: criteria provided, single submitter. Criteria: Invitae Variant Classification Sherloc (09022015). Collection method: clinical testing. Allele origin: germline.

PreventionGenetics, part of Exact Sciences
Classification: Likely benign for XPO5-related condition. Last evaluated: 2021-04-12. Review status: no assertion criteria provided. Collection method: clinical testing. Allele origin: germline. Not counted in ClinVar's aggregate classification.
Comment: This variant is classified as likely benign based on ACMG/AMP sequence variant interpretation guidelines (Richards et al. 2015 PMID: 25741868, with internal and published modifications).

NM_020750.3(XPO5):c.2181C>T (p.Ser727=)

Genes: POLR1C (RNA polymerase I and III subunit C; plus strand), XPO5 (exportin 5; minus strand). Cytogenetic location: 6p21.1.
Variant type: single nucleotide variant.
Coding change: c.2181C>T on transcript NM_020750.3 (MANE Select); coding-DNA position 2181, C replaced by T.
Protein change: p.Ser727=; no amino-acid change (serine 727 retained).
Molecular consequence: synonymous variant. On other transcripts: non-coding transcript variant (1), intron variant (1).
Genome position (GRCh38, 1-based): chr6:43,546,732, G>A on the plus strand (C>T on the coding strand, the complement: XPO5 is on the minus strand). VCF-style: chr6-43546732-G-A. GRCh37 (hg19) VCF-style: chr6-43514469-G-A.
Other names: c.923-4236G>A (NM_001363658.2).
Identifiers: ClinVar variation 2144528 (VCV002144528.5), dbSNP rs369471517, ClinGen allele CA3826206.